The following is an entry in ClinVar:

NM_001854.4(COL11A1):c.5156C>G (p.Ala1719Gly)

Genes: COL11A1 (collagen type XI alpha 1 chain; minus strand), LOC126805814 (P300/CBP strongly-dependent group 1 enhancer GRCh37_chr1:103344928-103346127; plus strand). Cytogenetic location: 1p21.1.
Variant type: single nucleotide variant.
Coding change: c.5156C>G on transcript NM_001854.4 (MANE Select); coding-DNA position 5156, C replaced by G.
Protein change: p.Ala1719Gly; replaces alanine 1719 with glycine.
Molecular consequence: missense variant. On other transcripts: non-coding transcript variant (1).
Genome position (GRCh38, 1-based): chr1:102,879,801, G>C on the plus strand (C>G on the coding strand, the complement: COL11A1 is on the minus strand). VCF-style: chr1-102879801-G-C. GRCh37 (hg19) VCF-style: chr1-103345357-G-C.
Other names: c.5039C>G, p.Ala1680Gly (NM_001190709.2); c.5192C>G, p.Ala1731Gly (NM_080629.3); c.4808C>G, p.Ala1603Gly (NM_080630.4); short protein forms A1603G, A1680G, A1719G, A1731G.
Identifiers: ClinVar variation 3361804 (VCV003361804.3).

ClinVar aggregate classification (germline): Conflicting classifications of pathogenicity. Review status: criteria provided, conflicting classifications (1 of 4 stars). 2 submissions from 2 submitters: Uncertain significance (1); Benign (1). Last evaluated 2024-02-09.

gnomAD v4.1: 6 of 1,613,826 alleles (0.00037%); highest among the groups gnomAD compares: African/African-American, 0.0067%; no homozygotes.

Submissions (2):

Labcorp Genetics (formerly Invitae), Labcorp
Classification: Benign. Last evaluated: 2024-02-09. Review status: criteria provided, single submitter. Criteria: Invitae Variant Classification Sherloc (09022015). Collection method: clinical testing. Allele origin: germline.

GeneDx
Classification: Uncertain significance. Last evaluated: 2023-07-31. Review status: criteria provided, single submitter. Criteria: GeneDx Variant Classification Process June 2021. Collection method: clinical testing. Allele origin: germline. Affected: yes.
Comment: Not observed at significant frequency in large population cohorts (gnomAD); In silico analysis supports that this missense variant does not alter protein structure/function; Not located in the triple helical region, where the majority of pathogenic missense variants occur (HGMD; Acke et al., 2014); Has not been previously published as pathogenic or benign to our knowledge; This variant is associated with the following publications: (PMID: 25240749)